The following is an entry in ClinVar:

ClinVar aggregate classification (germline): Pathogenic (1 of 4 stars; one submission).

Submission:

ISCA Site 6
Classification: Pathogenic. Last evaluated: 2011-08-12. Review status: criteria provided, single submitter. Criteria: Kaminsky et al. (Genet Med. 2011). Collection method: clinical testing. Allele origin: de novo. Affected: yes. Observed: 1 variant allele.
Comment: Copy number variation identified through the course of routine clinical cytogenomic testing in postnatal populations. Clinical assertions have been curated as described in Kaminsky et al. 2011.

GRCh38/hg38 9p24.3-23(chr9:211086-11867480)x1

Genes: MAHAC (maintenance of histone H4K5 acetylation associated lncRNA; plus strand), MIR101-2 (microRNA 101-2; plus strand), MIR4665 (microRNA 4665; plus strand), MLANA (melan-A; plus strand), PDCD1LG2 (programmed cell death 1 ligand 2; plus strand) and 233 more. Cytogenetic location: 9p24.3-23.
Variant type: copy number loss.
Change: copy number 1 (one copy instead of two) of chr9:211,086-11,867,480 (11.66 Mb, GRCh38 coordinates, 1-based), cytogenetic band 9p24.3-23.
Identifiers: ClinVar variation 60441 (VCV000060441.3).